The following is an entry in ClinVar:

NM_033310.3(KCNK4):c.33G>A (p.Ala11=)

Genes: KCNK4 (potassium two pore domain channel subfamily K member 4; plus strand), KCNK4-CATSPERZ (KCNK4-CATSPERZ readthrough (NMD candidate); plus strand). Cytogenetic location: 11q13.1.
Variant type: single nucleotide variant.
Coding change: c.33G>A on transcript NM_033310.3 (MANE Select); coding-DNA position 33, G replaced by A.
Protein change: p.Ala11=; no amino-acid change (alanine 11 retained).
Molecular consequence: synonymous variant. On other transcripts: non-coding transcript variant (2).
Genome position (GRCh38, 1-based): chr11:64,293,051, G>A. VCF-style: chr11-64293051-G-A. GRCh37 (hg19) VCF-style: chr11-64060523-G-A.
Other names: c.33G>A, p.Ala11= (NM_001317090.2, NM_033311.1).
Identifiers: ClinVar variation 2641916 (VCV002641916.25), dbSNP rs1268012842, ClinGen allele CA474946037.

ClinVar aggregate classification (germline): Likely benign. Review status: criteria provided, multiple submitters, no conflicts (2 of 4 stars). 2 submissions from 2 submitters: Likely benign (2). Last evaluated 2024-01-12.

Submissions (2):

Blueprint Genetics
Classification: Likely benign. Last evaluated: 2024-01-12. Review status: criteria provided, single submitter. Criteria: ACMG Guidelines, 2015. Collection method: clinical testing. Allele origin: germline.

CeGaT Center for Human Genetics Tuebingen
Classification: Likely benign. Last evaluated: 2023-01-01. Review status: criteria provided, single submitter. Criteria: CeGaT Center For Human Genetics Tuebingen Variant Classification Criteria Version 2. Collection method: clinical testing. Allele origin: germline. Affected: yes. Observed: 1 variant allele.
Comment: KCNK4: PM2:Supporting, BP4, BP7